The following is an entry in ClinVar:

NM_005585.5(SMAD6):c.53_69del (p.Val18fs)

Gene: SMAD6 (SMAD family member 6; plus strand). Cytogenetic location: 15q22.31.
Variant type: Deletion.
Coding change: c.53_69del on transcript NM_005585.5 (MANE Select); coding-DNA positions 53 to 69, 17 bases deleted (TGGTCCCCGACCGGGAG).
Protein change: p.Val18fs; shifts the reading frame from valine 18.
Molecular consequence: frameshift variant. On other transcripts: non-coding transcript variant (1).
Genome position (GRCh38, 1-based): chr15:66,703,311-66,703,327, TGGTCCCCGACCGGGAG deleted; deleting any 17 consecutive bases within chr15:66,703,310-66,703,327 gives the same sequence; the c. name uses the placement nearest the transcript's 3' end. VCF-style (leftmost placement, unchanged base first): chr15-66703309-TGTGGTCCCCGACCGGGA-T. GRCh37 (hg19) VCF-style: chr15-66995647-TGTGGTCCCCGACCGGGA-T.
Other names: short protein forms V18fs.
Identifiers: ClinVar variation 2633868 (VCV002633868.1), dbSNP rs2545310325, ClinGen allele CA2695197294.

ClinVar aggregate classification (germline): Uncertain significance (1 of 4 stars; one submission).

Conditions:
SMAD6-related disease. Also called: SMAD6-related condition; SMAD6-related disorder. Identifiers: MedGen CN381596, MONDO:0700324.

Submission:

PreventionGenetics, part of Exact Sciences
Classification: Uncertain significance for SMAD6-related condition. Last evaluated: 2023-03-24. Review status: criteria provided, single submitter. Criteria: ACMG Guidelines, 2015. Collection method: clinical testing. Allele origin: germline.
Comment: The SMAD6 c.53_69del17 variant is predicted to result in a frameshift and premature protein termination (p.Val18Glyfs*21). To our knowledge, this variant has not been reported in the literature or in a large population database, indicating this variant is rare. Loss-of-function variants have been reported in the literature in individuals with SMAD6-related disease as well as in the general population. Although we suspect that this variant may be pathogenic, at this time, the clinical significance of this variant is uncertain due to the absence of conclusive functional and genetic evidence.